The following is an entry in ClinVar:

NM_001161403.3(LIMS2):c.68C>T (p.Ser23Phe)

Gene: LIMS2 (LIM zinc finger domain containing 2; minus strand). Cytogenetic location: 2q14.3.
Variant type: single nucleotide variant.
Coding change: c.68C>T on transcript NM_001161403.3 (MANE Select); coding-DNA position 68, C replaced by T.
Protein change: p.Ser23Phe; replaces serine 23 with phenylalanine.
Molecular consequence: missense variant.
Genome position (GRCh38, 1-based): chr2:127,657,506, G>A on the plus strand (C>T on the coding strand, the complement: LIMS2 is on the minus strand). VCF-style: chr2-127657506-G-A. GRCh37 (hg19) VCF-style: chr2-128415080-G-A.
Other names: c.134C>T, p.Ser45Phe (NM_001136037.4); c.53C>T, p.Ser18Phe (NM_001161404.2); c.140C>T, p.Ser47Phe (NM_017980.5); short protein forms S45F, S18F, S23F, S47F.
Identifiers: ClinVar variation 2045267 (VCV002045267.4), dbSNP rs138668344, ClinGen allele CA1863584.

ClinVar aggregate classification (germline): Uncertain significance (1 of 4 stars; one submission).

Conditions:
Autosomal recessive limb-girdle muscular dystrophy type 2W (MDRCMTT). Also called: Muscular dystrophy, limb-girdle, type 2W; Muscular dystrophy, autosomal recessive, with cardiomyopathy and triangular tongue. Identifiers: MedGen C4225192, MONDO:0014788, OMIM 616827.

Allele frequency attached by ClinVar (database versions not stated): ExAC 0.00001; TOPMed 0.00001; gnomAD 0.00002; gnomAD exomes 0.00006; ESP Exome Variant Server 0.00008.
gnomAD v4.1: 90 of 1,613,034 alleles (0.0056%); highest among the groups gnomAD compares: Non-Finnish European, 0.0073%; no homozygotes.

Submission:

Labcorp Genetics (formerly Invitae), Labcorp
Classification: Uncertain significance for Autosomal recessive limb-girdle muscular dystrophy type 2W. Last evaluated: 2025-06-02. Review status: criteria provided, single submitter. Criteria: Invitae Variant Classification Sherloc (09022015). Collection method: clinical testing. Allele origin: germline.
Comment: This sequence change replaces serine, which is neutral and polar, with phenylalanine, which is neutral and non-polar, at codon 45 of the LIMS2 protein (p.Ser45Phe). This variant is present in population databases (rs138668344, gnomAD 0.003%). This variant has not been reported in the literature in individuals affected with LIMS2-related conditions. ClinVar contains an entry for this variant (Variation ID: 2045267). An algorithm developed to predict the effect of missense changes on protein structure and function (PolyPhen-2) suggests that this variant is likely to be tolerated. In summary, the available evidence is currently insufficient to determine the role of this variant in disease. Therefore, it has been classified as a Variant of Uncertain Significance.